The following is an entry in ClinVar:

NM_012199.5(AGO1):c.747G>A (p.Thr249=)

Gene: AGO1 (argonaute RISC component 1; plus strand). Cytogenetic location: 1p34.3.
Variant type: single nucleotide variant.
Coding change: c.747G>A on transcript NM_012199.5 (MANE Select); coding-DNA position 747, G replaced by A.
Protein change: p.Thr249=; no amino-acid change (threonine 249 retained).
Molecular consequence: synonymous variant.
Genome position (GRCh38, 1-based): chr1:35,894,134, G>A. VCF-style: chr1-35894134-G-A. GRCh37 (hg19) VCF-style: chr1-36359735-G-A.
Other names: c.747G>A, p.Thr249= (NM_001317122.2); c.522G>A, p.Thr174= (NM_001317123.2).
Identifiers: ClinVar variation 2638659 (VCV002638659.24), dbSNP rs780175783, ClinGen allele CA763056.
Genomic context (GRCh38, chr1:35,894,134, plus strand): 5'-TGAGTTCATGTGTGAGGTGCTGGACATCAGGAACATAGATGAGCAGCCCAAGCCCCTCAC[G>A]GACTCTCAGCGCGTTCGCTTCACCAAGGAGATCAAGGGTGAGGACCCAACAGGAGGGGAA-3'
Protein context (NP_036331.1, residues 239-259): RNIDEQPKPL[Thr249=]DSQRVRFTKE

ClinVar aggregate classification (germline): Likely benign (1 of 4 stars; one submission).

Allele frequency attached by ClinVar (database versions not stated): gnomAD 0.00001; ExAC 0.00002.

Submission:

CeGaT Center for Human Genetics Tuebingen
Classification: Likely benign. Last evaluated: 2022-05-01. Review status: criteria provided, single submitter. Criteria: CeGaT Center For Human Genetics Tuebingen Variant Classification Criteria Version 2. Collection method: clinical testing. Allele origin: germline. Affected: yes. Observed: 1 variant allele.
Comment: AGO1: BP4, BP7